The following is an entry in ClinVar:

ClinVar aggregate classification (germline): Uncertain significance (1 of 4 stars; one submission).

Submission:

Labcorp Genetics (formerly Invitae), Labcorp
Classification: Uncertain significance. Last evaluated: 2024-05-15. Review status: criteria provided, single submitter. Criteria: Invitae Variant Classification Sherloc (09022015). Collection method: clinical testing. Allele origin: germline.
Comment: This sequence change replaces arginine, which is basic and polar, with proline, which is neutral and non-polar, at codon 614 of the ARHGEF10 protein (p.Arg614Pro). This variant is not present in population databases (gnomAD no frequency). This variant has not been reported in the literature in individuals affected with ARHGEF10-related conditions. Advanced modeling of protein sequence and biophysical properties (such as structural, functional, and spatial information, amino acid conservation, physicochemical variation, residue mobility, and thermodynamic stability) performed at Invitae indicates that this missense variant is not expected to disrupt ARHGEF10 protein function with a negative predictive value of 80%. In summary, the available evidence is currently insufficient to determine the role of this variant in disease. Therefore, it has been classified as a Variant of Uncertain Significance.

NM_014629.4(ARHGEF10):c.1841G>C (p.Arg614Pro)

Gene: ARHGEF10 (Rho guanine nucleotide exchange factor 10; plus strand). Cytogenetic location: 8p23.3.
Variant type: single nucleotide variant.
Coding change: c.1841G>C on transcript NM_014629.4 (MANE Select); coding-DNA position 1841, G replaced by C.
Protein change: p.Arg614Pro; replaces arginine 614 with proline.
Molecular consequence: missense variant.
Genome position (GRCh38, 1-based): chr8:1,905,590, G>C. VCF-style: chr8-1905590-G-C. GRCh37 (hg19) VCF-style: chr8-1853756-G-C.
Other names: c.1727G>C, p.Arg576Pro (NM_001308152.2); c.1841G>C, p.Arg614Pro (NM_001308153.3); short protein forms R576P, R614P, R638P.
Identifiers: ClinVar variation 3611573 (VCV003611573.2).